The following is an entry in ClinVar:

NM_002024.6(FMR1):c.-98GGC[9]

Genes: FMR1 (fragile X messenger ribonucleoprotein 1; plus strand), FRAXA (fragile site, folic acid type, rare, fra(X)(q27.3) A; plus strand), LOC107032825 (origin of replication in 5' region of FMR1; plus strand). Cytogenetic location: Xq27.3.
Variant type: Microsatellite.
Coding change: c.-98GGC[9] on transcript NM_002024.6 (MANE Select); nine copies in a row of the 3-base unit GGC starting at c.-98; the reference has ten copies in a row; one copy, 3 bases deleted.
Molecular consequence: 5 prime UTR variant. On other transcripts: non-coding transcript variant (2).
Genome position (GRCh38, 1-based): chrX:147,912,109-147,912,111, GGC deleted; deleting any 3 consecutive bases within chrX:147,912,082-147,912,111 gives the same sequence; the position shown is the placement nearest the transcript's 3' end. VCF-style (leftmost placement, unchanged base first): chrX-147912081-AGGC-A. GRCh37 (hg19) VCF-style: chrX-146993599-AGGC-A.
Other names: c.-98GGC[9] (NM_001185075.2, NM_001185076.2, NM_001185081.2 and 1 more transcripts).
Identifiers: ClinVar variation 2661591 (VCV002661591.23), dbSNP rs782036637, ClinGen allele CA10536047.
Genomic context (GRCh38, chrX:147,912,081, plus strand): 5'-GGCGCCGCTGCCAGGGGGCGTGCGGCAGCGCGGCGGCGGCGGCGGCGGCGGCGGCGGCGG[AGGC>A]GGCGGCGGCGGCGGCGGCGGCGGCGGCTGGGCCTCGAGCGCCCGCAGCCCACCTCTCGGG-3'

ClinVar aggregate classification (germline): Likely benign. Review status: criteria provided, multiple submitters, no conflicts (2 of 4 stars). 2 submissions from 2 submitters: Likely benign (2). Last evaluated 2024-07-01.

Submissions (2):

CeGaT Center for Human Genetics Tuebingen
Classification: Likely benign. Last evaluated: 2024-07-01. Review status: criteria provided, single submitter. Criteria: CeGaT Center For Human Genetics Tuebingen Variant Classification Criteria Version 2. Collection method: clinical testing. Allele origin: germline. Affected: yes. Observed: 7 variant alleles.
Comment: FMR1: BS2

Blueprint Genetics
Classification: Likely benign. Last evaluated: 2023-03-28. Review status: criteria provided, single submitter. Criteria: ACMG Guidelines, 2015. Collection method: clinical testing. Allele origin: germline.